The following is an entry in ClinVar:

NM_004963.4(GUCY2C):c.3123G>C (p.Gly1041=)

Genes: GUCY2C (guanylate cyclase 2C; minus strand), PLBD1-AS1 (PLBD1 antisense RNA 1; plus strand). Cytogenetic location: 12p12.3.
Variant type: single nucleotide variant.
Coding change: c.3123G>C on transcript NM_004963.4 (MANE Select); coding-DNA position 3123, G replaced by C.
Protein change: p.Gly1041=; no amino-acid change (glycine 1041 retained).
Molecular consequence: synonymous variant.
Genome position (GRCh38, 1-based): chr12:14,613,216, C>G on the plus strand (G>C on the coding strand, the complement: GUCY2C is on the minus strand). VCF-style: chr12-14613216-C-G. GRCh37 (hg19) VCF-style: chr12-14766150-C-G.
Identifiers: ClinVar variation 735631 (VCV000735631.13), dbSNP rs11056059, ClinGen allele CA6462868.

ClinVar aggregate classification (germline): Benign/Likely benign. Review status: criteria provided, multiple submitters, no conflicts (2 of 4 stars). 3 submissions from 3 submitters: Benign (2); Likely benign (1). Last evaluated 2026-01-28.

Conditions:
GUCY2C-related disorder. Also called: GUCY2C-related condition.

Allele frequency attached by ClinVar (database versions not stated): ExAC 0.00066; 1000 Genomes Project 0.00080; 1000 Genomes Project 30x 0.00094; gnomAD 0.00141 and 0.00151; ESP Exome Variant Server 0.00146; TOPMed 0.00159.
gnomAD v4.1: 650 of 1,613,408 alleles (0.04%); highest among the groups gnomAD compares: African/African-American, 0.47%; no homozygotes.

Submissions (3):

Labcorp Genetics (formerly Invitae), Labcorp
Classification: Benign. Last evaluated: 2026-01-28. Review status: criteria provided, single submitter. Criteria: Invitae Variant Classification Sherloc (09022015). Collection method: clinical testing. Allele origin: germline.

PreventionGenetics, part of Exact Sciences
Classification: Likely benign for GUCY2C-related condition. Last evaluated: 2024-11-20. Review status: criteria provided, single submitter. Criteria: ACMG Guidelines, 2015. Collection method: clinical testing. Allele origin: germline.
Comment: This variant is classified as likely benign based on ACMG/AMP sequence variant interpretation guidelines (Richards et al. 2015 PMID: 25741868, with internal and published modifications).

Blueprint Genetics
Classification: Benign. Last evaluated: 2024-10-30. Review status: criteria provided, single submitter. Criteria: ACMG Guidelines, 2015. Collection method: clinical testing. Allele origin: germline.